The following is an entry in ClinVar:

ClinVar aggregate classification (germline): Uncertain significance (1 of 4 stars; one submission).

Allele frequency attached by ClinVar (database versions not stated): TOPMed below 0.00001; gnomAD 0.00001.
gnomAD v4.1: 1 of 1,210,202 alleles (0.000083%); highest among the groups gnomAD compares: Non-Finnish European, 0.00011%; no homozygotes.

Submission:

Labcorp Genetics (formerly Invitae), Labcorp
Classification: Uncertain significance. Last evaluated: 2022-03-16. Review status: criteria provided, single submitter. Criteria: Invitae Variant Classification Sherloc (09022015). Collection method: clinical testing. Allele origin: germline.
Comment: In summary, the available evidence is currently insufficient to determine the role of this variant in disease. Therefore, it has been classified as a Variant of Uncertain Significance. Algorithms developed to predict the effect of missense changes on protein structure and function (SIFT, PolyPhen-2, Align-GVGD) all suggest that this variant is likely to be tolerated. This variant has not been reported in the literature in individuals affected with TLR7-related conditions. This variant is not present in population databases (gnomAD no frequency). This sequence change replaces proline, which is neutral and non-polar, with leucine, which is neutral and non-polar, at codon 269 of the TLR7 protein (p.Pro269Leu).

NM_016562.4(TLR7):c.806C>T (p.Pro269Leu)

Gene: TLR7 (toll like receptor 7; plus strand). Cytogenetic location: Xp22.2.
Variant type: single nucleotide variant.
Coding change: c.806C>T on transcript NM_016562.4 (MANE Select); coding-DNA position 806, C replaced by T.
Protein change: p.Pro269Leu; replaces proline 269 with leucine.
Molecular consequence: missense variant.
Genome position (GRCh38, 1-based): chrX:12,886,314, C>T. VCF-style: chrX-12886314-C-T. GRCh37 (hg19) VCF-style: chrX-12904433-C-T.
Other names: short protein forms P269L.
Identifiers: ClinVar variation 2112990 (VCV002112990.4), dbSNP rs868378372, ClinGen allele CA326797097.